The following is an entry in ClinVar:

NM_001148.6(ANK2):c.5996C>T (p.Ser1999Leu)

Genes: ANK2 (ankyrin 2; plus strand), LOC126807136 (MED14-independent group 3 enhancer GRCh37_chr4:114274931-114276130; plus strand). Cytogenetic location: 4q26.
Variant type: single nucleotide variant.
Coding change: c.5996C>T on transcript NM_001148.6 (MANE Select); coding-DNA position 5996, C replaced by T.
Protein change: p.Ser1999Leu; replaces serine 1999 with leucine.
Molecular consequence: missense variant. On other transcripts: intron variant (68).
Genome position (GRCh38, 1-based): chr4:113,354,614, C>T. VCF-style: chr4-113354614-C-T. GRCh37 (hg19) VCF-style: chr4-114275770-C-T.
Other names: c.5762C>T, p.Ser1921Leu (NM_001386142.1); c.2396C>T, p.Ser799Leu (NM_001386166.1); c.6137C>T, p.Ser2046Leu (NM_001386174.1); c.6113C>T, p.Ser2038Leu (NM_001386175.1); c.4411+4365C>T (NM_001386186.2, NM_001386148.2); c.4213+4365C>T (NM_001354269.3); c.4291+4365C>T (NM_001386187.2); c.4252+4365C>T (NM_001386147.1); and 35 more; short protein forms S1921L, S1999L, S2038L, S2046L, S799L.
Identifiers: ClinVar variation 4685249 (VCV004685249.2).

ClinVar aggregate classification (germline): Uncertain significance (1 of 4 stars; one submission).

gnomAD v4.1: 2 of 1,613,756 alleles (0.00012%); highest among the groups gnomAD compares: African/African-American, 0.0027%; no homozygotes.

Submission:

GeneDx
Classification: Uncertain significance. Last evaluated: 2026-07-06. Review status: criteria provided, single submitter. Criteria: GeneDx Variant Classification Process June 2021. Collection method: clinical testing. Allele origin: germline.
Comment: Not observed at significant frequency in large population cohorts (gnomAD); In silico analysis supports that this missense variant has a deleterious effect on protein structure/function; Has not been previously published as pathogenic or benign to our knowledge